The following is an entry in ClinVar:

ClinVar aggregate classification (germline): Likely benign. Review status: reviewed by expert panel (3 of 4 stars). 4 submissions from 4 submitters: Likely benign (1). 3 of the submissions do not count toward it. Last evaluated 2026-11-20.

Conditions:
Primary ciliary dyskinesia. Also called: Ciliary dyskinesia. Identifiers: Orphanet 244, MedGen C0008780, MONDO:0016575, HP:0012265.
RPGR-related retinopathy. Also called: RPGR retinopathy. Identifiers: MedGen CN305589, MONDO:0100437.

Allele frequency attached by ClinVar (database versions not stated): gnomAD exomes below 0.00001; ExAC 0.00001.
gnomAD v4.1: 3 of 1,211,618 alleles (0.00025%); highest among the groups gnomAD compares: African/African-American, 0.0035%; no homozygotes.

Submissions (4):

ClinGen X-linked Inherited Retinal Disease Variant Curation Expert Panel, ClinGen
Classification: Likely benign for RPGR-related retinopathy. Last evaluated: 2026-11-20. Review status: reviewed by expert panel. Criteria: ClinGen X LinkedIRD ACMG Specifications RPGR V1.0.0. Collection method: curation. Allele origin: germline. Inheritance: X-linked inheritance.
Comment: NM_001034853.2(RPGR):c.417G>A is a silent variant at codon 139 that does not have an impact on splicing sites, according to Splice AI, which predicts a delta score of 0.03 for all splicing types, which is below the ClinGen X-linked IRD VCEP recommended threshold of <0.1 and does not strongly predict an impact on splicing (BP7, BP4). This variant is absent in gnomAD v.4.1.2 among hemizygous individuals (PM2_Supporting). In summary, this variant is classified as likely benign for RPGR-related retinopathy based on the ClinGen X-linked Inherited Retinal Disease Expert Panel Specifications to the ACMG/AMP Variant Interpretation Guidelines for RPGR, Version 1.0.0, using the following evidence codes: BP4, BP7, and PM2_Supporting.

Labcorp Genetics (formerly Invitae), Labcorp
Classification: Likely benign for Primary ciliary dyskinesia. Last evaluated: 2025-09-10. Review status: criteria provided, single submitter. Criteria: Invitae Variant Classification Sherloc (09022015). Collection method: clinical testing. Allele origin: germline. Not counted in ClinVar's aggregate classification.

Blueprint Genetics
Classification: Likely benign. Last evaluated: 2023-02-23. Review status: criteria provided, single submitter. Criteria: ACMG Guidelines, 2015. Collection method: clinical testing. Allele origin: germline. Not counted in ClinVar's aggregate classification.

Ambry Genetics
Classification: Likely benign for Primary ciliary dyskinesia. Last evaluated: 2021-02-14. Review status: criteria provided, single submitter. Criteria: Ambry Variant Classification Scheme 2023. Collection method: clinical testing. Allele origin: germline. Not counted in ClinVar's aggregate classification.

NM_001034853.2(RPGR):c.417G>A (p.Glu139=)

Gene: RPGR (retinitis pigmentosa GTPase regulator; minus strand). Cytogenetic location: Xp11.4.
Variant type: single nucleotide variant.
Coding change: c.417G>A on transcript NM_001034853.2 (MANE Select); coding-DNA position 417, G replaced by A.
Protein change: p.Glu139=; no amino-acid change (glutamic acid 139 retained).
Molecular consequence: synonymous variant. On other transcripts: non-coding transcript variant (6).
Genome position (GRCh38, 1-based): chrX:38,318,881, C>T on the plus strand (G>A on the coding strand, the complement: RPGR is on the minus strand). VCF-style: chrX-38318881-C-T. GRCh37 (hg19) VCF-style: chrX-38178134-C-T.
Other names: NM_001034853.2(RPGR):c.417G>A; p.Glu139=; c.417G>A, p.Glu139= (NM_000328.3, NM_001367245.1, NM_001367246.1 and 3 more transcripts); c.447G>A, p.Glu149= (NM_001367248.1); c.414G>A, p.Glu138= (NM_001367249.1).
Identifiers: ClinVar variation 1738479 (VCV001738479.9), dbSNP rs777541233, ClinGen allele CA10385662.
Genomic context (GRCh38, chrX:38,318,881, plus strand): 5'-AGTCTCACCAGTTAGGGCAGCTGAAGTATTAGATCCAGCAGACAGCTGCTTAATCTTATG[C>T]TCGGATGTAAAAAAGCTAATTACATGAAAAGTGTTTCTTTCTTCGGTGTCACCAAGCCCC-3'
Protein context (NP_001030025.1, residues 129-149): TFHVISFFTS[Glu139=]HKIKQLSAGS